The following is an entry in ClinVar:

NM_001148.6(ANK2):c.7489G>C (p.Glu2497Gln)

Genes: ANK2 (ankyrin 2; plus strand), LOC126807137 (CDK7 strongly-dependent group 2 enhancer GRCh37_chr4:114276560-114277759; plus strand). Cytogenetic location: 4q26.
Variant type: single nucleotide variant.
Coding change: c.7489G>C on transcript NM_001148.6 (MANE Select); coding-DNA position 7489, G replaced by C.
Protein change: p.Glu2497Gln; replaces glutamic acid 2497 with glutamine.
Molecular consequence: missense variant. On other transcripts: intron variant (68).
Genome position (GRCh38, 1-based): chr4:113,356,107, G>C. VCF-style: chr4-113356107-G-C. GRCh37 (hg19) VCF-style: chr4-114277263-G-C.
Other names: c.7255G>C, p.Glu2419Gln (NM_001386142.1); c.3889G>C, p.Glu1297Gln (NM_001386166.1); c.7630G>C, p.Glu2544Gln (NM_001386174.1); c.7606G>C, p.Glu2536Gln (NM_001386175.1); c.4412-4716G>C (NM_001386186.2, NM_001386148.2); c.4214-4716G>C (NM_001354269.3); c.4292-4716G>C (NM_001386187.2); c.4253-4716G>C (NM_001386147.1); and 35 more; short protein forms E1297Q, E2419Q, E2497Q, E2536Q, E2544Q.
Identifiers: ClinVar variation 4812011 (VCV004812011.1).

ClinVar aggregate classification (germline): Uncertain significance (1 of 4 stars; one submission).

Conditions:
Long QT syndrome (LQTS). Identifiers: MedGen C0023976, MeSH D008133, MONDO:0002442. Disease mechanism: loss of function. Inheritance: Various modes of inheritance.

gnomAD v4.1: 3 of 1,613,968 alleles (0.00019%); highest among the groups gnomAD compares: Non-Finnish European, 0.00025%; no homozygotes.

Submission:

Labcorp Genetics (formerly Invitae), Labcorp
Classification: Uncertain significance for Long QT syndrome. Last evaluated: 2025-10-17. Review status: criteria provided, single submitter. Criteria: Invitae Variant Classification Sherloc (09022015). Collection method: clinical testing. Allele origin: germline.
Comment: This sequence change replaces glutamic acid, which is acidic and polar, with glutamine, which is neutral and polar, at codon 2497 of the ANK2 protein (p.Glu2497Gln). This variant is present in population databases (no rsID available, gnomAD 0.0009%). This variant has not been reported in the literature in individuals affected with ANK2-related conditions. An algorithm developed to predict the effect of missense changes on protein structure and function (PolyPhen-2) suggests that this variant is likely to be disruptive. In summary, the available evidence is currently insufficient to determine the role of this variant in disease. Therefore, it has been classified as a Variant of Uncertain Significance.